The following is an entry in ClinVar:

NM_001099667.3(ARMS2):c.*374G>T

Genes: HTRA1-AS1 (HTRA1 and ARMS2 antisense RNA 1; minus strand), ARMS2 (age-related maculopathy susceptibility 2; plus strand). Cytogenetic location: 10q26.13.
Variant type: single nucleotide variant.
Coding change: c.*374G>T on transcript NM_001099667.3 (MANE Select); 374 bases downstream of the stop codon, G replaced by T.
Molecular consequence: 3 prime UTR variant.
Genome position (GRCh38, 1-based): chr10:122,457,307, G>T. VCF-style: chr10-122457307-G-T. GRCh37 (hg19) VCF-style: chr10-124216823-G-T.
Identifiers: ClinVar variation 880001 (VCV000880001.4), dbSNP rs566108895, ClinGen allele CA214412561.
Genomic context (GRCh38, chr10:122,457,307, plus strand): 5'-TCACTGCATTCCCTCCTGTCATCCTGCCTTTGTTTTCTTGCCCTCCTTTCTCTCCCGGGT[G>T]ATAGGCATTAACTAAAATTAAATAAAAATTCAGATCATCCTTGCACTTGCTGCATTTCAA-3'

ClinVar aggregate classification (germline): Benign (1 of 4 stars; one submission).

Conditions:
Age related macular degeneration 8. Identifiers: MedGen C3151070, MONDO:0013416, OMIM 613778.

Allele frequency attached by ClinVar (database versions not stated): gnomAD 0.13070; 1000 Genomes Project 30x 0.25874; 1000 Genomes Project 0.28375.

Submission:

Illumina Laboratory Services, Illumina
Classification: Benign for Age related macular degeneration 8. Last evaluated: 2018-01-13. Review status: criteria provided, single submitter. Criteria: ICSL Variant Classification Criteria 13 December 2019. Collection method: clinical testing. Allele origin: germline.
Comment: This variant was observed in the ICSL laboratory as part of a predisposition screen in an ostensibly healthy population. It had not been previously curated by ICSL or reported in the Human Gene Mutation Database (HGMD: prior to June 1st, 2018), and was therefore a candidate for classification through an automated scoring system. Utilizing variant allele frequency, disease prevalence and penetrance estimates, and inheritance mode, an automated score was calculated to assess if this variant is too frequent to cause the disease. Based on the score and internal cut-off values, a variant classified as benign is not then subjected to further curation. The score for this variant resulted in a classification of benign for this disease.